The following is an entry in ClinVar:

NM_001277115.2(DNAH11):c.4397A>G (p.Gln1466Arg)

Gene: DNAH11 (dynein axonemal heavy chain 11; plus strand). Cytogenetic location: 7p15.3.
Variant type: single nucleotide variant.
Coding change: c.4397A>G on transcript NM_001277115.2 (MANE Select); coding-DNA position 4397, A replaced by G.
Protein change: p.Gln1466Arg; replaces glutamine 1466 with arginine.
Molecular consequence: missense variant.
Genome position (GRCh38, 1-based): chr7:21,619,975, A>G. VCF-style: chr7-21619975-A-G. GRCh37 (hg19) VCF-style: chr7-21659593-A-G.
Other names: c.4412A>G, p.Gln1471Arg (NM_003777.3); short protein forms Q1466R, Q1471R.
Identifiers: ClinVar variation 2501509 (VCV002501509.2), dbSNP rs1785964447, ClinGen allele CA366952837.

ClinVar aggregate classification (germline): Uncertain significance. Review status: criteria provided, multiple submitters, no conflicts (2 of 4 stars). 2 submissions from 2 submitters: Uncertain significance (2). Last evaluated 2023-12-01.

Allele frequency attached by ClinVar (database versions not stated): gnomAD exomes below 0.00001; gnomAD 0.00001.
gnomAD v4.1: 7 of 1,602,992 alleles (0.00044%); highest among the groups gnomAD compares: Middle Eastern, 0.016%; no homozygotes.

Submissions (2):

Blueprint Genetics
Classification: Uncertain significance. Last evaluated: 2023-12-01. Review status: criteria provided, single submitter. Criteria: ACMG Guidelines, 2015. Collection method: clinical testing. Allele origin: germline.

GeneDx
Classification: Uncertain significance. Last evaluated: 2022-11-07. Review status: criteria provided, single submitter. Criteria: GeneDx Variant Classification Process June 2021. Collection method: clinical testing. Allele origin: germline. Affected: yes.
Comment: Not observed at significant frequency in large population cohorts (gnomAD); In silico analysis supports that this missense variant does not alter protein structure/function; Has not been previously published as pathogenic or benign to our knowledge